The following is an entry in ClinVar:

ClinVar aggregate classification (germline): Uncertain significance (1 of 4 stars; one submission).

Conditions:
Hereditary cancer-predisposing syndrome. Also called: Neoplastic Syndromes, Hereditary; Hereditary Cancer Syndrome; Hereditary neoplastic syndrome; Tumor predisposition. Identifiers: Orphanet 140162, MedGen C0027672, MeSH D009386, MONDO:0015356.

Submission:

Ambry Genetics
Classification: Uncertain significance for Hereditary cancer-predisposing syndrome. Last evaluated: 2026-06-06. Review status: criteria provided, single submitter. Criteria: Ambry Variant Classification Scheme 2023. Collection method: clinical testing. Allele origin: germline.
Comment: The p.P304L variant (also known as c.911C>T), located in coding exon 7 of the FH gene, results from a C to T substitution at nucleotide position 911. The proline at codon 304 is replaced by leucine, an amino acid with similar properties. This amino acid position is conserved. In addition, this alteration is predicted to be deleterious by in silico analysis. Based on the available evidence, the clinical significance of this variant remains unclear.

NM_000143.4(FH):c.911C>T (p.Pro304Leu)

Gene: FH (fumarate hydratase; minus strand). Cytogenetic location: 1q43.
Variant type: single nucleotide variant.
Coding change: c.911C>T on transcript NM_000143.4 (MANE Select); coding-DNA position 911, C replaced by T.
Protein change: p.Pro304Leu; replaces proline 304 with leucine.
Molecular consequence: missense variant.
Genome position (GRCh38, 1-based): chr1:241,504,239, G>A on the plus strand (C>T on the coding strand, the complement: FH is on the minus strand). VCF-style: chr1-241504239-G-A. GRCh37 (hg19) VCF-style: chr1-241667539-G-A.
Other names: short protein forms P304L.
Identifiers: ClinVar variation 4871337 (VCV004871337.1).